The following is an entry in ClinVar:

ClinVar aggregate classification (germline): Uncertain significance (1 of 4 stars; one submission).

Conditions:
RASopathy. Also called: Noonan spectrum disorder; rasopathies. Identifiers: Orphanet 536391, MedGen C5555857, MONDO:0021060.

Allele frequency attached by ClinVar (database versions not stated): gnomAD exomes below 0.00001.
gnomAD v4.1: 1 of 1,611,964 alleles (0.000062%); highest among the groups gnomAD compares: African/African-American, 0.0013%; no homozygotes.

Submission:

Labcorp Genetics (formerly Invitae), Labcorp
Classification: Uncertain significance for RASopathy. Last evaluated: 2023-02-06. Review status: criteria provided, single submitter. Criteria: Invitae Variant Classification Sherloc (09022015). Collection method: clinical testing. Allele origin: germline.
Comment: This variant is not present in population databases (gnomAD no frequency). This variant has not been reported in the literature in individuals affected with BRAF-related conditions. Advanced modeling of protein sequence and biophysical properties (such as structural, functional, and spatial information, amino acid conservation, physicochemical variation, residue mobility, and thermodynamic stability) performed at Invitae indicates that this missense variant is not expected to disrupt BRAF protein function. In summary, the available evidence is currently insufficient to determine the role of this variant in disease. Therefore, it has been classified as a Variant of Uncertain Significance. This sequence change replaces proline, which is neutral and non-polar, with leucine, which is neutral and non-polar, at codon 207 of the BRAF protein (p.Pro207Leu).

NM_004333.6(BRAF):c.620C>T (p.Pro207Leu)

Gene: BRAF (B-Raf proto-oncogene, serine/threonine kinase; minus strand). Cytogenetic location: 7q34.
Variant type: single nucleotide variant.
Coding change: c.620C>T on transcript NM_004333.6 (MANE Select); coding-DNA position 620, C replaced by T.
Protein change: p.Pro207Leu; replaces proline 207 with leucine.
Molecular consequence: missense variant.
Genome position (GRCh38, 1-based): chr7:140,808,051, G>A on the plus strand (C>T on the coding strand, the complement: BRAF is on the minus strand). VCF-style: chr7-140808051-G-A. GRCh37 (hg19) VCF-style: chr7-140507851-G-A.
Other names: c.620C>T, p.Pro207Leu (NM_001378469.1, NM_001378471.1, NM_001378474.1 and 4 more transcripts); c.518C>T, p.Pro173Leu (NM_001378470.1); c.464C>T, p.Pro155Leu (NM_001378472.1, NM_001378473.1); c.356C>T, p.Pro119Leu (NM_001378475.1); c.629C>T, p.Pro210Leu (NM_001378467.1); short protein forms P173L, P210L, P155L, P207L, P119L.
Identifiers: ClinVar variation 2904681 (VCV002904681.3), dbSNP rs2536358452, ClinGen allele CA369591290.